The following is an entry in ClinVar:

NM_000267.3(NF1):c.5206delG

Gene: NF1 (neurofibromin 1; plus strand). Cytogenetic location: 17q11.2.
Variant type: Deletion.
Coding change: c.5206delG on transcript NM_000267.3; coding-DNA position 5206, one base deleted (G).
Molecular consequence: splice acceptor variant.
Genome position (GRCh38, 1-based): chr17:31,327,499, G deleted; the last of 2 consecutive G bases (chr17:31,327,498-31,327,499); deleting either gives the same sequence. VCF-style (leftmost placement, unchanged base first): chr17-31327497-AG-A. GRCh37 (hg19) VCF-style: chr17-29654515-AG-A.
Other names: c.5206del (NM_000267.3).
Identifiers: ClinVar variation 503953 (VCV000503953.11), dbSNP rs1555533549, ClinGen allele CA658798779.

ClinVar aggregate classification (germline): Pathogenic. Review status: criteria provided, multiple submitters, no conflicts (2 of 4 stars). 3 submissions from 3 submitters: Pathogenic (3). Last evaluated 2022-03-15.

Conditions:
Neurofibromatosis, type 1 (NF1). Also called: VON RECKLINGHAUSEN DISEASE; Peripheral type neurofibromatosis; NEUROFIBROMATOSIS, TYPE I, SOMATIC; Neurofibromatosis, type I. Identifiers: Orphanet 636, MedGen C0027831, MONDO:0018975, OMIM 162200. Disease mechanism: loss of function.

Submissions (3):

Genome-Nilou Lab
Classification: Pathogenic for Neurofibromatosis, type 1. Last evaluated: 2022-03-15. Review status: criteria provided, single submitter. Criteria: ACMG Guidelines, 2015. Collection method: clinical testing. Allele origin: germline. Affected: no.

Labcorp Genetics (formerly Invitae), Labcorp
Classification: Pathogenic for Neurofibromatosis, type 1. Last evaluated: 2019-10-25. Review status: criteria provided, single submitter. Criteria: Invitae Variant Classification Sherloc (09022015). Collection method: clinical testing. Allele origin: germline.
Comment: This sequence change creates a premature translational stop signal (p.Val1736Leufs*8) in the NF1 gene. It is expected to result in an absent or disrupted protein product. For these reasons, this variant has been classified as Pathogenic. Loss-of-function variants in NF1 are known to be pathogenic (PMID: 10712197, 23913538). This variant has not been reported in the literature in individuals with NF1-related conditions. ClinVar contains an entry for this variant (Variation ID: 503953). This variant is not present in population databases (ExAC no frequency).

GeneDx
Classification: Pathogenic. Last evaluated: 2017-12-19. Review status: criteria provided, single submitter. Criteria: GeneDx Variant Classification (06012015). Collection method: clinical testing. Allele origin: germline. Affected: yes.
Comment: The c.5206delG pathogenic variant causes a frameshift starting with codon Valine 1736, changes this amino acid to a Leucine residue and creates a premature Stop codon at position 8 of the new reading frame, denoted p.Val1736LeufsX8. This variant is predicted to cause loss of normal protein function either through protein truncation or nonsense-mediated mRNA decay. Although this variant has not been previously reported to our knowledge, we consider it to be pathogenic.

Literature cited by the submitters: PubMed 10712197 (cited by Labcorp Genetics (formerly Invitae), Labcorp); PubMed 23913538 (cited by Labcorp Genetics (formerly Invitae), Labcorp).